The following is an entry in ClinVar:

NM_032608.7(MYO18B):c.670C>T (p.Pro224Ser)

Gene: MYO18B (myosin XVIIIB; plus strand). Cytogenetic location: 22q12.1.
Variant type: single nucleotide variant.
Coding change: c.670C>T on transcript NM_032608.7 (MANE Select); coding-DNA position 670, C replaced by T.
Protein change: p.Pro224Ser; replaces proline 224 with serine.
Molecular consequence: missense variant.
Genome position (GRCh38, 1-based): chr22:25,768,586, C>T. VCF-style: chr22-25768586-C-T. GRCh37 (hg19) VCF-style: chr22-26164553-C-T.
Other names: c.670C>T, p.Pro224Ser (NM_001318245.2); c.670C>T (NM_032608.5); short protein forms P224S.
Identifiers: ClinVar variation 1906017 (VCV001906017.6), dbSNP rs534752839, ClinGen allele CA322779125.
Genomic context (GRCh38, chr22:25,768,586, plus strand): 5'-GCCAGCACCGAGATCTTGGCCCCGAAAGCTGAGAAGACCCGGACTGGGGGTCTTGGGGAC[C>T]CAGGCCAAGGAACTGTGGCACTGAAAAAAGGCGAGGAGGGTCAAAGCATAGTGGGGAAGG-3'
Protein context (NP_115997.5, residues 214-234): EKTRTGGLGD[Pro224Ser]GQGTVALKKG

ClinVar aggregate classification (germline): Uncertain significance. Review status: criteria provided, multiple submitters, no conflicts (2 of 4 stars). 2 submissions from 2 submitters: Uncertain significance (2). Last evaluated 2025-10-29.

Conditions:
Inborn genetic diseases. Identifiers: MedGen C0950123, MeSH D030342.

Submissions (2):

Ambry Genetics
Classification: Uncertain significance for Inborn genetic diseases. Last evaluated: 2025-10-29. Review status: criteria provided, single submitter. Criteria: Ambry Variant Classification Scheme 2023. Collection method: clinical testing. Allele origin: germline.

Labcorp Genetics (formerly Invitae), Labcorp
Classification: Uncertain significance. Last evaluated: 2025-05-27. Review status: criteria provided, single submitter. Criteria: Invitae Variant Classification Sherloc (09022015). Collection method: clinical testing. Allele origin: germline.
Comment: This sequence change replaces proline, which is neutral and non-polar, with serine, which is neutral and polar, at codon 224 of the MYO18B protein (p.Pro224Ser). This variant is not present in population databases (gnomAD no frequency). This variant has not been reported in the literature in individuals affected with MYO18B-related conditions. ClinVar contains an entry for this variant (Variation ID: 1906017). An algorithm developed to predict the effect of missense changes on protein structure and function outputs the following: PolyPhen-2: "Benign". The serine amino acid residue is found in multiple mammalian species, which suggests that this missense change does not adversely affect protein function. In summary, the available evidence is currently insufficient to determine the role of this variant in disease. Therefore, it has been classified as a Variant of Uncertain Significance.